The following is an entry in ClinVar:

NM_018486.3(HDAC8):c.956C>T (p.Thr319Ile)

Gene: HDAC8 (histone deacetylase 8; minus strand). Cytogenetic location: Xq13.1.
Variant type: single nucleotide variant.
Coding change: c.956C>T on transcript NM_018486.3 (MANE Select); coding-DNA position 956, C replaced by T.
Protein change: p.Thr319Ile; replaces threonine 319 with isoleucine.
Molecular consequence: missense variant. On other transcripts: non-coding transcript variant (1).
Genome position (GRCh38, 1-based): chrX:72,462,053, G>A on the plus strand (C>T on the coding strand, the complement: HDAC8 is on the minus strand). VCF-style: chrX-72462053-G-A. GRCh37 (hg19) VCF-style: chrX-71681903-G-A.
Other names: c.683C>T, p.Thr228Ile (NM_001166418.2); short protein forms T228I, T319I.
Identifiers: ClinVar variation 1417489 (VCV001417489.6), dbSNP rs2148039184, ClinGen allele CA413642165.

ClinVar aggregate classification (germline): Pathogenic (1 of 4 stars; one submission).

Conditions:
Cornelia de Lange syndrome 5 (CDLS5). Also called: HDAC8-Related Cornelia de Lange Syndrome. Identifiers: Orphanet 199, MedGen C3550903, MONDO:0010471, OMIM 300882.

Submission:

Labcorp Genetics (formerly Invitae), Labcorp
Classification: Pathogenic for Cornelia de Lange syndrome 5. Last evaluated: 2021-12-27. Review status: criteria provided, single submitter. Criteria: Invitae Variant Classification Sherloc (09022015). Collection method: clinical testing. Allele origin: germline.
Comment: This sequence change replaces threonine, which is neutral and polar, with isoleucine, which is neutral and non-polar, at codon 319 of the HDAC8 protein (p.Thr319Ile). This variant is not present in population databases (gnomAD no frequency). This missense change has been observed in individual(s) with clinical features of Cornelia de Lange syndrome (Invitae). In at least one individual the variant was observed to be de novo. Advanced modeling of protein sequence and biophysical properties (such as structural, functional, and spatial information, amino acid conservation, physicochemical variation, residue mobility, and thermodynamic stability) performed at Invitae indicates that this missense variant is expected to disrupt HDAC8 protein function. For these reasons, this variant has been classified as Pathogenic.